The following is an entry in ClinVar:

ClinVar aggregate classification (germline): Uncertain significance. Review status: criteria provided, multiple submitters, no conflicts (2 of 4 stars). 2 submissions from 2 submitters: Uncertain significance (2). Last evaluated 2025-11-26.

Conditions:
Inborn genetic diseases. Identifiers: MedGen C0950123, MeSH D030342.

Allele frequency attached by ClinVar (database versions not stated): gnomAD 0.00001; ExAC 0.00002; gnomAD exomes 0.00002; TOPMed 0.00003.
gnomAD v4.1: 11 of 1,613,598 alleles (0.00068%); highest among the groups gnomAD compares: Admixed American, 0.018%; no homozygotes.

Submissions (2):

Ambry Genetics
Classification: Uncertain significance for Inborn genetic diseases. Last evaluated: 2025-11-26. Review status: criteria provided, single submitter. Criteria: Ambry Variant Classification Scheme 2023. Collection method: clinical testing. Allele origin: germline.

Labcorp Genetics (formerly Invitae), Labcorp
Classification: Uncertain significance. Last evaluated: 2025-10-01. Review status: criteria provided, single submitter. Criteria: Invitae Variant Classification Sherloc (09022015). Collection method: clinical testing. Allele origin: germline.
Comment: This sequence change replaces glycine, which is neutral and non-polar, with aspartic acid, which is acidic and polar, at codon 139 of the COL10A1 protein (p.Gly139Asp). This variant is present in population databases (rs747086933, gnomAD 0.03%). This variant has not been reported in the literature in individuals affected with COL10A1-related conditions. ClinVar contains an entry for this variant (Variation ID: 2175225). Invitae Evidence Modeling of protein sequence and biophysical properties (such as structural, functional, and spatial information, amino acid conservation, physicochemical variation, residue mobility, and thermodynamic stability) has been performed for this missense variant. However, the output from this modeling did not meet the statistical confidence thresholds required to predict the impact of this variant on COL10A1 protein function. In summary, the available evidence is currently insufficient to determine the role of this variant in disease. Therefore, it has been classified as a Variant of Uncertain Significance.

NM_000493.4(COL10A1):c.416G>A (p.Gly139Asp)

Genes: COL10A1 (collagen type X alpha 1 chain; minus strand), NT5DC1 (5'-nucleotidase domain containing 1; plus strand). Cytogenetic location: 6q22.1.
Variant type: single nucleotide variant.
Coding change: c.416G>A on transcript NM_000493.4 (MANE Select); coding-DNA position 416, G replaced by A.
Protein change: p.Gly139Asp; replaces glycine 139 with aspartic acid.
Molecular consequence: missense variant. On other transcripts: intron variant (1).
Genome position (GRCh38, 1-based): chr6:116,121,700, C>T on the plus strand (G>A on the coding strand, the complement: COL10A1 is on the minus strand). VCF-style: chr6-116121700-C-T. GRCh37 (hg19) VCF-style: chr6-116442863-C-T.
Other names: c.416G>A, p.Gly139Asp (NM_001424106.1, NM_001424107.1); c.529+3755C>T (NM_152729.3); c.416G>A (NM_000493.3); short protein forms G139D.
Identifiers: ClinVar variation 2175225 (VCV002175225.5), dbSNP rs747086933, ClinGen allele CA3968404.